The following is an entry in ClinVar:

NM_001326342.2(CELF2):c.1015A>T (p.Met339Leu)

Gene: CELF2 (CUGBP Elav-like family member 2; plus strand). Cytogenetic location: 10p14.
Variant type: single nucleotide variant.
Coding change: c.1015A>T on transcript NM_001326342.2 (MANE Select); coding-DNA position 1015, A replaced by T.
Protein change: p.Met339Leu; replaces methionine 339 with leucine.
Molecular consequence: missense variant.
Genome position (GRCh38, 1-based): chr10:11,314,177, A>T. VCF-style: chr10-11314177-A-T. GRCh37 (hg19) VCF-style: chr10-11356140-A-T.
Other names: c.922A>T, p.Met308Leu (NM_001025076.2, NM_001083591.1, NM_001326317.2 and 15 more transcripts); c.994A>T, p.Met332Leu (NM_001025077.3, NM_001326331.2, NM_001326332.2 and 4 more transcripts); c.1087A>T, p.Met363Leu (NM_001326325.2); c.1030A>T, p.Met344Leu (NM_001326326.2, NM_001326327.2); c.310A>T, p.Met104Leu (NM_001326333.2, NM_001326346.2); c.661A>T, p.Met221Leu (NM_001326338.2, NM_001326339.2); c.1015A>T, p.Met339Leu (NM_001326340.2, NM_001326341.2, NM_001326343.2 and 4 more transcripts); c.946A>T, p.Met316Leu (NM_001326347.1); short protein forms M104L, M221L, M308L, M316L, M332L, M339L, M344L, M363L.
Identifiers: ClinVar variation 3377600 (VCV003377600.1).
Genomic context (GRCh38, chr10:11,314,177, plus strand): 5'-GTCTCTGTTTTCCTTTTTTCAGTGGCTGCTTCAACCCCCAACTCCACTGCTGGTGCAGCC[A>T]TGAACTCCTTGACCTCTCTCGGGACTCTGCAAGGACTGGCTGGAGCCACTGTTGGACTGA-3'
Protein context (NP_001313271.1, residues 329-349): STPNSTAGAA[Met339Leu]NSLTSLGTLQ

ClinVar aggregate classification (germline): Uncertain significance (1 of 4 stars; one submission).

Conditions:
Developmental and epileptic encephalopathy, 14 (DEE14). Also called: Early infantile epileptic encephalopathy 14. Identifiers: Orphanet 293181, MedGen C3554195, MONDO:0013989, OMIM 614959.

Submission:

Neuberg Centre For Genomic Medicine, NCGM
Classification: Uncertain significance for Developmental and epileptic encephalopathy, 14. Last evaluated: 2023-06-22. Review status: criteria provided, single submitter. Criteria: ACMG Guidelines, 2015. Collection method: clinical testing. Allele origin: germline. Inheritance: Autosomal dominant inheritance. Affected: yes.
Comment: The observed missense c.994A>T (p.Met332Leu) variant in CELF2 gene has not been reported previously as a pathogenic variant nor as a benign variant, to our knowledge. The p.Met332Leu variant is absent in gnomAD Exomes. This variant has not been submitted to the ClinVar database. Computational evidence (Polyphen - Benign, SIFT - Tolerated and MutationTaster - Disease causing) predicts conflicting evidence on protein structure and function for this variant. The reference amino acid of p.Met332Leu in CELF2 is predicted as conserved by GERP++ and PhyloP across 100 vertebrates. The amino acid Met at position 332 is changed to a Leu changing protein sequence and it might alter its composition and physico-chemical properties. For these reasons, this variant has been classified as a Variant of Uncertain Significance (VUS).